The following is an entry in ClinVar:

ClinVar aggregate classification (germline): Uncertain significance (1 of 4 stars; one submission).

Conditions:
Developmental and epileptic encephalopathy, 36 (DEE36). Also called: ALG13-CDG; Epileptic encephalopathy, early infantile, 36; Congenital disorder of glycosylation, type Is. Identifiers: Orphanet 324422, MedGen C4317295, MONDO:0010472, OMIM 300884.

Submission:

Labcorp Genetics (formerly Invitae), Labcorp
Classification: Uncertain significance for Developmental and epileptic encephalopathy, 36. Last evaluated: 2022-10-19. Review status: criteria provided, single submitter. Criteria: Invitae Variant Classification Sherloc (09022015). Collection method: clinical testing. Allele origin: germline.
Comment: This sequence change replaces proline, which is neutral and non-polar, with leucine, which is neutral and non-polar, at codon 569 of the ALG13 protein (p.Pro569Leu). In summary, the available evidence is currently insufficient to determine the role of this variant in disease. Therefore, it has been classified as a Variant of Uncertain Significance. Advanced modeling of protein sequence and biophysical properties (such as structural, functional, and spatial information, amino acid conservation, physicochemical variation, residue mobility, and thermodynamic stability) performed at Invitae indicates that this missense variant is not expected to disrupt ALG13 protein function. This variant has not been reported in the literature in individuals affected with ALG13-related conditions. This variant is not present in population databases (gnomAD no frequency).

NM_001099922.3(ALG13):c.1706C>T (p.Pro569Leu)

Gene: ALG13 (ALG13 UDP-N-acetylglucosaminyltransferase subunit; plus strand). Cytogenetic location: Xq23.
Variant type: single nucleotide variant.
Coding change: c.1706C>T on transcript NM_001099922.3 (MANE Select); coding-DNA position 1706, C replaced by T.
Protein change: p.Pro569Leu; replaces proline 569 with leucine.
Molecular consequence: missense variant. On other transcripts: non-coding transcript variant (1).
Genome position (GRCh38, 1-based): chrX:111,725,038, C>T. VCF-style: chrX-111725038-C-T. GRCh37 (hg19) VCF-style: chrX-110968266-C-T.
Other names: c.1394C>T, p.Pro465Leu (NM_001257230.2, NM_001257234.2, NM_001257237.2); c.1472C>T, p.Pro491Leu (NM_001257231.2); c.1706C>T, p.Pro569Leu (NM_001324292.2); c.1220C>T, p.Pro407Leu (NM_001324293.1); short protein forms P407L, P465L, P491L, P569L.
Identifiers: ClinVar variation 2153213 (VCV002153213.4), dbSNP rs2525886972, ClinGen allele CA414252353.